The following is an entry in ClinVar:

ClinVar aggregate classification (germline): Conflicting classifications of pathogenicity. Review status: criteria provided, conflicting classifications (1 of 4 stars). 6 submissions from 6 submitters: Uncertain significance (5); Benign (1). Last evaluated 2025-09-01.

Conditions:
Familial cold autoinflammatory syndrome 2 (FCAS2). Identifiers: Orphanet 247868, MedGen C2673198, MONDO:0012724, OMIM 611762.
Inborn genetic diseases. Identifiers: MedGen C0950123, MeSH D030342.

Allele frequency attached by ClinVar (database versions not stated): gnomAD exomes 0.00004 and 0.00005; TOPMed 0.00005; ExAC 0.00006; gnomAD 0.00006 and 0.00007; ESP Exome Variant Server 0.00008.
gnomAD v4.1: 80 of 1,613,996 alleles (0.005%); highest among the groups gnomAD compares: Middle Eastern, 0.049%; no homozygotes.

Submissions (6):

Ambry Genetics
Classification: Uncertain significance for Inborn genetic diseases. Last evaluated: 2025-09-01. Review status: criteria provided, single submitter. Criteria: Ambry Variant Classification Scheme 2023. Collection method: clinical testing. Allele origin: germline.

Labcorp Genetics (formerly Invitae), Labcorp
Classification: Uncertain significance for Familial cold autoinflammatory syndrome 2. Last evaluated: 2025-07-22. Review status: criteria provided, single submitter. Criteria: Invitae Variant Classification Sherloc (09022015). Collection method: clinical testing. Allele origin: germline.
Comment: This sequence change replaces arginine, which is basic and polar, with glutamine, which is neutral and polar, at codon 728 of the NLRP12 protein (p.Arg728Gln). This variant is present in population databases (rs373285006, gnomAD 0.006%). This variant has not been reported in the literature in individuals affected with NLRP12-related conditions. ClinVar contains an entry for this variant (Variation ID: 444482). Invitae Evidence Modeling of protein sequence and biophysical properties (such as structural, functional, and spatial information, amino acid conservation, physicochemical variation, residue mobility, and thermodynamic stability) indicates that this missense variant is not expected to disrupt NLRP12 protein function with a negative predictive value of 80%. In summary, the available evidence is currently insufficient to determine the role of this variant in disease. Therefore, it has been classified as a Variant of Uncertain Significance.

MGZ Medical Genetics Center
Classification: Uncertain significance for Familial cold autoinflammatory syndrome 2. Last evaluated: 2022-04-11. Review status: criteria provided, single submitter. Criteria: ACMG Guidelines, 2015. Collection method: clinical testing. Allele origin: germline. Affected: yes. Observed: 1 variant allele.
Comment: ACMG criteria applied: PS4_SUP, BP4

ARUP Laboratories, Molecular Genetics and Genomics, ARUP Laboratories
Classification: Uncertain significance for Familial cold autoinflammatory syndrome 2. Last evaluated: 2021-04-17. Review status: criteria provided, single submitter. Criteria: ARUP Molecular Germline Variant Investigation Process 2021. Collection method: clinical testing. Allele origin: germline.
Comment: The NLRP12 c.2183G>A; p.Arg728Gln variant (rs373285006), to our knowledge, is not reported in the medical literature. The variant is reported in the ClinVar database (Variation ID: 444482) and in the general population with an overall allele frequency of 0.004% (11/282,644 alleles) in the Genome Aggregation Database. The arginine at codon 728 is moderately conserved but computational analyses predict that this variant is neutral (REVEL: 0.133). Due to limited information, the clinical significance of the p.Arg728Gln variant is uncertain at this time.

Illumina Laboratory Services, Illumina
Classification: Benign for Familial cold autoinflammatory syndrome 2. Last evaluated: 2018-01-13. Review status: criteria provided, single submitter. Criteria: ICSL Variant Classification Criteria 13 December 2019. Collection method: clinical testing. Allele origin: germline.
Comment: This variant was observed in the ICSL laboratory as part of a predisposition screen in an ostensibly healthy population. It had not been previously curated by ICSL or reported in the Human Gene Mutation Database (HGMD: prior to June 1st, 2018), and was therefore a candidate for classification through an automated scoring system. Utilizing variant allele frequency, disease prevalence and penetrance estimates, and inheritance mode, an automated score was calculated to assess if this variant is too frequent to cause the disease. Based on the score and internal cut-off values, a variant classified as benign is not then subjected to further curation. The score for this variant resulted in a classification of benign for this disease.

CeGaT Center for Human Genetics Tuebingen
Classification: Uncertain significance. Last evaluated: 2017-05-01. Review status: criteria provided, single submitter. Criteria: CeGaT Center For Human Genetics Tuebingen Variant Classification Criteria Version 2. Collection method: clinical testing. Allele origin: germline. Affected: yes. Observed: 1 variant allele.

NM_144687.4(NLRP12):c.2183G>A (p.Arg728Gln)

Gene: NLRP12 (NLR family pyrin domain containing 12; minus strand). Cytogenetic location: 19q13.42.
Variant type: single nucleotide variant.
Coding change: c.2183G>A on transcript NM_144687.4 (MANE Select); coding-DNA position 2183, G replaced by A.
Protein change: p.Arg728Gln; replaces arginine 728 with glutamine.
Molecular consequence: missense variant.
Genome position (GRCh38, 1-based): chr19:53,807,555, C>T on the plus strand (G>A on the coding strand, the complement: NLRP12 is on the minus strand). VCF-style: chr19-53807555-C-T. GRCh37 (hg19) VCF-style: chr19-54310809-C-T.
Other names: c.2186G>A, p.Arg729Gln (NM_001277126.2); c.2183G>A, p.Arg728Gln (NM_001277129.1); c.2183G>A (NM_144687.2); short protein forms R728Q, R729Q.
Identifiers: ClinVar variation 444482 (VCV000444482.63), dbSNP rs373285006, ClinGen allele CA9639199.